The following is an entry in ClinVar:

ClinVar aggregate classification (germline): Conflicting classifications of pathogenicity. Review status: criteria provided, conflicting classifications (1 of 4 stars). 6 submissions from 6 submitters: Uncertain significance (4); Likely benign (2). Last evaluated 2025-07-22.

Conditions:
Familial adenomatous polyposis 1 (FAP1). Also called: FAMILIAL ADENOMATOUS POLYPOSIS 1, ATTENUATED; POLYPOSIS, ADENOMATOUS INTESTINAL. Identifiers: MedGen C2713442, MONDO:0021056, OMIM 175100. Disease mechanism: loss of function.
Classic or attenuated familial adenomatous polyposis. Identifiers: MedGen CN372698, MONDO:0021057.
Hereditary cancer-predisposing syndrome. Also called: Neoplastic Syndromes, Hereditary; Tumor predisposition; Hereditary Cancer Syndrome; Hereditary neoplastic syndrome. Identifiers: Orphanet 140162, MedGen C0027672, MeSH D009386, MONDO:0015356.

Allele frequency attached by ClinVar (database versions not stated): gnomAD exomes below 0.00001 and 0.00002; ExAC 0.00002; gnomAD 0.00003 and 0.00004; TOPMed 0.00003.
gnomAD v4.1: 9 of 1,614,104 alleles (0.00056%); highest among the groups gnomAD compares: African/African-American, 0.012%; 1 homozygote.

Submissions (6):

Labcorp Genetics (formerly Invitae), Labcorp
Classification: Likely benign for Familial adenomatous polyposis 1. Last evaluated: 2025-07-22. Review status: criteria provided, single submitter. Criteria: Invitae Variant Classification Sherloc (09022015). Collection method: clinical testing. Allele origin: germline.

All of Us Research Program, National Institutes of Health
Classification: Uncertain significance for Classic or attenuated familial adenomatous polyposis. Last evaluated: 2024-09-23. Review status: criteria provided, single submitter. Criteria: ACMG Guidelines, 2015. Collection method: clinical testing. Allele origin: germline. Inheritance: Autosomal dominant inheritance. Observed: 1 variant allele, 1 heterozygote.
Comment: This study involves interpretation of variants in research participants for the purpose of population health screening. Participant phenotype was not available at the time of variant classification. Additional details can be found in publication PMID: 35346344, PMCID: PMC8962531

Baylor Genetics
Classification: Uncertain significance for Familial adenomatous polyposis 1. Last evaluated: 2023-10-26. Review status: criteria provided, single submitter. Criteria: ACMG Guidelines, 2015. Collection method: clinical testing. Allele origin: unknown.

Ambry Genetics
Classification: Likely benign for Hereditary cancer-predisposing syndrome. Last evaluated: 2022-12-01. Review status: criteria provided, single submitter. Criteria: Ambry Variant Classification Scheme 2023. Collection method: clinical testing. Allele origin: germline.

GeneDx
Classification: Uncertain significance. Last evaluated: 2022-11-30. Review status: criteria provided, single submitter. Criteria: GeneDx Variant Classification Process June 2021. Collection method: clinical testing. Allele origin: germline. Affected: yes.
Comment: Not observed at significant frequency in large population cohorts (gnomAD); In silico analysis, which includes protein predictors and evolutionary conservation, supports that this variant does not alter protein structure/function; Has not been previously published as pathogenic or benign to our knowledge; This variant is associated with the following publications: (PMID: 26933808)

Color Diagnostics, LLC DBA Color Health
Classification: Uncertain significance for Hereditary cancer-predisposing syndrome. Last evaluated: 2019-01-03. Review status: criteria provided, single submitter. Criteria: ACMG Guidelines, 2015. Collection method: clinical testing. Allele origin: germline.

NM_000038.6(APC):c.2738A>G (p.His913Arg)

Gene: APC (APC regulator of Wnt signaling pathway; plus strand). Cytogenetic location: 5q22.2.
Variant type: single nucleotide variant.
Coding change: c.2738A>G on transcript NM_000038.6 (MANE Select); coding-DNA position 2738, A replaced by G.
Protein change: p.His913Arg; replaces histidine 913 with arginine.
Molecular consequence: missense variant.
Genome position (GRCh38, 1-based): chr5:112,838,332, A>G. VCF-style: chr5-112838332-A-G. GRCh37 (hg19) VCF-style: chr5-112174029-A-G.
Other names: c.2738A>G, p.His913Arg (NM_001127510.3, NM_001354895.2); c.2684A>G, p.His895Arg (NM_001127511.3); c.2792A>G, p.His931Arg (NM_001354896.2); c.2768A>G, p.His923Arg (NM_001354897.2); c.2663A>G, p.His888Arg (NM_001354898.2); c.2654A>G, p.His885Arg (NM_001354899.2); c.2615A>G, p.His872Arg (NM_001354900.2); c.2561A>G, p.His854Arg (NM_001354901.2); and 5 more; short protein forms H895R, H913R, H630R, H787R, H812R, H888R, H923R, H753R.
Identifiers: ClinVar variation 485127 (VCV000485127.24), dbSNP rs762572576, ClinGen allele CA033216.